The following is an entry in ClinVar:

ClinVar aggregate classification (germline): Uncertain significance (1 of 4 stars; one submission).

Submission:

Women's Health and Genetics/Laboratory Corporation of America, LabCorp
Classification: Uncertain significance. Last evaluated: 2024-05-06. Review status: criteria provided, single submitter. Criteria: LabCorp Variant Classification Summary - May 2015. Collection method: clinical testing. Allele origin: germline.
Comment: Variant summary: NF1 c.3901C>G (p.Leu1301Val) results in a conservative amino acid change located in the Ras GTPase-activating domain (IPR001936) of the encoded protein sequence. Three of five in-silico tools predict a damaging effect of the variant on protein function. The variant was absent in 251414 control chromosomes (gnomAD). The available data on variant occurrences in the general population are insufficient to allow any conclusion about variant significance. To our knowledge, no occurrence of c.3901C>G in individuals affected with Neurofibromatosis Type 1 and no experimental evidence demonstrating its impact on protein function have been reported. No submitters have cited clinical-significance assessments for this variant to ClinVar. Based on the evidence outlined above, the variant was classified as uncertain significance.

NM_001042492.3(NF1):c.3901C>G (p.Leu1301Val)

Gene: NF1 (neurofibromin 1; plus strand). Cytogenetic location: 17q11.2.
Variant type: single nucleotide variant.
Coding change: c.3901C>G on transcript NM_001042492.3 (MANE Select); coding-DNA position 3901, C replaced by G.
Protein change: p.Leu1301Val; replaces leucine 1301 with valine.
Molecular consequence: missense variant.
Genome position (GRCh38, 1-based): chr17:31,235,948, C>G. VCF-style: chr17-31235948-C-G. GRCh37 (hg19) VCF-style: chr17-29562966-C-G.
Other names: c.3901C>G, p.Leu1301Val (NM_000267.4); short protein forms L1301V.
Identifiers: ClinVar variation 3336144 (VCV003336144.1).